The following is an entry in ClinVar:

ClinVar aggregate classification (germline): Uncertain significance (1 of 4 stars; one submission).

Conditions:
Glycogen storage disease IXd (GSD9D). Also called: Muscle Phosphorylase Kinase Deficiency; GSD IXd. Identifiers: Orphanet 715, MedGen C1845151, MONDO:0010362, OMIM 300559.

gnomAD v4.1: 18 of 1,206,863 alleles (0.0015%); highest among the groups gnomAD compares: Middle Eastern, 0.14%; no homozygotes.

Submission:

Labcorp Genetics (formerly Invitae), Labcorp
Classification: Uncertain significance for Glycogen storage disease IXd. Last evaluated: 2024-11-22. Review status: criteria provided, single submitter. Criteria: Invitae Variant Classification Sherloc (09022015). Collection method: clinical testing. Allele origin: germline.
Comment: This sequence change replaces valine, which is neutral and non-polar, with methionine, which is neutral and non-polar, at codon 18 of the PHKA1 protein (p.Val18Met). This variant is present in population databases (no rsID available, gnomAD 0.001%). This variant has not been reported in the literature in individuals affected with PHKA1-related conditions. Invitae Evidence Modeling of protein sequence and biophysical properties (such as structural, functional, and spatial information, amino acid conservation, physicochemical variation, residue mobility, and thermodynamic stability) indicates that this missense variant is expected to disrupt PHKA1 protein function with a positive predictive value of 80%. In summary, the available evidence is currently insufficient to determine the role of this variant in disease. Therefore, it has been classified as a Variant of Uncertain Significance.

NM_002637.4(PHKA1):c.52G>A (p.Val18Met)

Gene: PHKA1 (phosphorylase kinase regulatory subunit alpha 1; minus strand). Cytogenetic location: Xq13.1.
Variant type: single nucleotide variant.
Coding change: c.52G>A on transcript NM_002637.4 (MANE Select); coding-DNA position 52, G replaced by A.
Protein change: p.Val18Met; replaces valine 18 with methionine.
Molecular consequence: missense variant.
Genome position (GRCh38, 1-based): chrX:72,713,829, C>T on the plus strand (G>A on the coding strand, the complement: PHKA1 is on the minus strand). VCF-style: chrX-72713829-C-T. GRCh37 (hg19) VCF-style: chrX-71933677-C-T.
Other names: c.52G>A, p.Val18Met (NM_001122670.2, NM_001172436.2, NM_001431068.1); short protein forms V18M.
Identifiers: ClinVar variation 3730801 (VCV003730801.2).